The following is an entry in ClinVar:

NM_015450.3(POT1):c.695C>A (p.Ser232Tyr)

Gene: POT1 (protection of telomeres 1; minus strand). Cytogenetic location: 7q31.33.
Variant type: single nucleotide variant.
Coding change: c.695C>A on transcript NM_015450.3 (MANE Select); coding-DNA position 695, C replaced by A.
Protein change: p.Ser232Tyr; replaces serine 232 with tyrosine.
Molecular consequence: missense variant. On other transcripts: non-coding transcript variant (3).
Genome position (GRCh38, 1-based): chr7:124,858,964, G>T on the plus strand (C>A on the coding strand, the complement: POT1 is on the minus strand). VCF-style: chr7-124858964-G-T. GRCh37 (hg19) VCF-style: chr7-124499018-G-T.
Other names: c.302C>A, p.Ser101Tyr (NM_001042594.2); c.695C>A (NM_015450.2); short protein forms S101Y, S232Y.
Identifiers: ClinVar variation 2804606 (VCV002804606.4), dbSNP rs1795514519, ClinGen allele CA369055992.

ClinVar aggregate classification (germline): Uncertain significance. Review status: criteria provided, multiple submitters, no conflicts (2 of 4 stars). 2 submissions from 2 submitters: Uncertain significance (2). Last evaluated 2025-11-22.

Conditions:
Tumor predisposition syndrome 3 (TPDS3). Also called: Melanoma, cutaneous malignant, susceptibility to, 10; LONG TELOMERE SYNDROME, POT1-RELATED; POT1 Tumor Predisposition; Glioma susceptibility 9. Identifiers: Orphanet 618, MedGen C4014476, MONDO:0014368, OMIM 615848.
Hereditary cancer-predisposing syndrome. Also called: Neoplastic Syndromes, Hereditary; Hereditary neoplastic syndrome; Hereditary Cancer Syndrome; Tumor predisposition. Identifiers: Orphanet 140162, MedGen C0027672, MeSH D009386, MONDO:0015356.

Submissions (2):

Ambry Genetics
Classification: Uncertain significance for Hereditary cancer-predisposing syndrome. Last evaluated: 2025-11-22. Review status: criteria provided, single submitter. Criteria: Ambry Variant Classification Scheme 2023. Collection method: clinical testing. Allele origin: germline.
Comment: The p.S232Y variant (also known as c.695C>A), located in coding exon 5 of the POT1 gene, results from a C to A substitution at nucleotide position 695. The serine at codon 232 is replaced by tyrosine, an amino acid with dissimilar properties. This amino acid position is conserved. In addition, this alteration is predicted to be tolerated by in silico analysis. Based on the available evidence, the clinical significance of this variant remains unclear.

Labcorp Genetics (formerly Invitae), Labcorp
Classification: Uncertain significance for Tumor predisposition syndrome 3. Last evaluated: 2023-10-14. Review status: criteria provided, single submitter. Criteria: Invitae Variant Classification Sherloc (09022015). Collection method: clinical testing. Allele origin: germline.
Comment: This sequence change replaces serine, which is neutral and polar, with tyrosine, which is neutral and polar, at codon 232 of the POT1 protein (p.Ser232Tyr). This variant is not present in population databases (gnomAD no frequency). This variant has not been reported in the literature in individuals affected with POT1-related conditions. Advanced modeling of protein sequence and biophysical properties (such as structural, functional, and spatial information, amino acid conservation, physicochemical variation, residue mobility, and thermodynamic stability) performed at Invitae indicates that this missense variant is not expected to disrupt POT1 protein function. In summary, the available evidence is currently insufficient to determine the role of this variant in disease. Therefore, it has been classified as a Variant of Uncertain Significance.